The following is an entry in ClinVar:

NM_001029998.6(SLC10A7):c.994-339G>T

Gene: SLC10A7 (solute carrier family 10 member 7; minus strand). Cytogenetic location: 4q31.22.
Variant type: single nucleotide variant.
Coding change: c.994-339G>T on transcript NM_001029998.6 (MANE Select); 339 bases into the intron before coding-DNA position 994, G replaced by T.
Molecular consequence: intron variant. On other transcripts: synonymous variant (1).
Genome position (GRCh38, 1-based): chr4:146,256,859, C>A on the plus strand (G>T on the coding strand, the complement: SLC10A7 is on the minus strand). VCF-style: chr4-146256859-C-A. GRCh37 (hg19) VCF-style: chr4-147178011-C-A.
Other names: c.1071G>T, p.Gly357= (NM_001300842.3); c.955-339G>T (NM_001317816.2).
Identifiers: ClinVar variation 4821345 (VCV004821345.4).
Genomic context (GRCh38, chr4:146,256,859, plus strand): 5'-CAAAGCAGAGGAGGCACTCATGGATACCTGGAGGATGGACTCTTGGTATTTATTTTAATG[C>A]CCAAATTTGATGGATAGATATTCCAAGCCTTCTGGATTATTCAAGTTAGCCAGTGGCCCC-3'

ClinVar aggregate classification (germline): Likely benign (1 of 4 stars; one submission).

gnomAD v4.1: 19 of 1,536,126 alleles (0.0012%); highest among the groups gnomAD compares: East Asian, 0.044%; 1 homozygote.

Submission:

CeGaT Center for Human Genetics Tuebingen
Classification: Likely benign. Last evaluated: 2026-03-01. Review status: criteria provided, single submitter. Criteria: CeGaT Center For Human Genetics Tuebingen Variant Classification Criteria Version 2. Collection method: clinical testing. Allele origin: germline. Affected: yes. Observed: 1 variant allele.
Comment: SLC10A7: BP4, BP7